The following is an entry in ClinVar:

NM_001267550.2(TTN):c.34354G>A (p.Val11452Met)

Gene: TTN (titin; minus strand). Cytogenetic location: 2q31.2.
Variant type: single nucleotide variant.
Coding change: c.34354G>A on transcript NM_001267550.2 (MANE Select); coding-DNA position 34354, G replaced by A.
Protein change: p.Val11452Met; replaces valine 11452 with methionine.
Molecular consequence: missense variant. On other transcripts: intron variant (5).
Genome position (GRCh38, 1-based): chr2:178,677,225, C>T on the plus strand (G>A on the coding strand, the complement: TTN is on the minus strand). VCF-style: chr2-178677225-C-T. GRCh37 (hg19) VCF-style: chr2-179541952-C-T.
Other names: c.13283-34908G>A (NM_003319.4); c.13859-34908G>A (NM_133437.4); c.13658-34908G>A (NM_133432.3); c.30559+396G>A (NM_133378.4); c.33340+396G>A (NM_001256850.1); short protein forms V11452M.
Identifiers: ClinVar variation 535350 (VCV000535350.5), dbSNP rs938988662, ClinGen allele CA60982233.

ClinVar aggregate classification (germline): Uncertain significance. Review status: criteria provided, multiple submitters, no conflicts (2 of 4 stars). 3 submissions from 3 submitters: Uncertain significance (3). Last evaluated 2026-05-06.

Conditions:
Dilated cardiomyopathy 1G (CMD1G). Identifiers: Orphanet 154, MedGen C1858763, MONDO:0011400, OMIM 604145.
Autosomal recessive limb-girdle muscular dystrophy type 2J (LGMDR10). Also called: MUSCULAR DYSTROPHY, LIMB-GIRDLE, AUTOSOMAL RECESSIVE 10; Limb-girdle muscular dystrophy, type 2J. Identifiers: Orphanet 140922, MedGen C1837342, MONDO:0012127, OMIM 608807.
TTN-related disorder. Also called: TTN-related condition; TTN-related disease; TTN-related disorders.

Allele frequency attached by ClinVar (database versions not stated): gnomAD exomes 0.00001; gnomAD 0.00009 and 0.00010; TOPMed 0.00016.
gnomAD v4.1: 31 of 1,223,608 alleles (0.0025%); highest among the groups gnomAD compares: African/African-American, 0.036%; no homozygotes.

Submissions (3):

PreventionGenetics, part of Exact Sciences
Classification: Uncertain significance for TTN-related condition. Last evaluated: 2026-05-06. Review status: criteria provided, single submitter. Criteria: ACMG Guidelines, 2015. Collection method: clinical testing. Allele origin: germline.
Comment: The TTN c.34354G>A variant is predicted to result in the amino acid substitution p.Val11452Met. To our knowledge, this variant has not been reported in the literature. This variant is reported in 0.070% of alleles in individuals of African descent in gnomAD. Although we suspect that this variant may be benign, at this time, the clinical significance of this variant is uncertain due to the absence of conclusive functional and genetic evidence.

Labcorp Genetics (formerly Invitae), Labcorp
Classification: Uncertain significance for Dilated cardiomyopathy 1G; Autosomal recessive limb-girdle muscular dystrophy type 2J. Last evaluated: 2017-10-25. Review status: criteria provided, single submitter. Criteria: Invitae Variant Classification Sherloc (09022015). Collection method: clinical testing. Allele origin: germline.

Breakthrough Genomics
Classification: Uncertain significance. Review status: criteria provided, single submitter. Criteria: ACMG Guidelines, 2015. Collection method: not provided. Allele origin: germline. Inheritance: Autosomal recessive inheritance. Affected: yes.